The following is an entry in ClinVar:

NM_003672.4(CDC14A):c.1137+2T>C

Gene: CDC14A (cell division cycle 14A; plus strand). Cytogenetic location: 1p21.2.
Variant type: single nucleotide variant.
Coding change: c.1137+2T>C on transcript NM_003672.4 (MANE Select); the canonical splice donor site of the intron after coding-DNA position 1137, T replaced by C.
Molecular consequence: splice donor variant. On other transcripts: missense variant (1).
Genome position (GRCh38, 1-based): chr1:100,484,453, T>C. VCF-style: chr1-100484453-T-C. GRCh37 (hg19) VCF-style: chr1-100950009-T-C.
Other names: c.1139T>C, p.Val380Ala (NM_033313.3); c.963+2T>C (NM_001319211.2); c.1137+2T>C (NM_001319210.2, NM_033312.3); c.258+2T>C (NM_001319212.2); short protein forms V380A.
Identifiers: ClinVar variation 3392739 (VCV003392739.3).

ClinVar aggregate classification (germline): Uncertain significance. Review status: criteria provided, multiple submitters, no conflicts (2 of 4 stars). 2 submissions from 2 submitters: Uncertain significance (2). Last evaluated 2024-06-25.

Conditions:
Autosomal recessive nonsyndromic hearing loss 32. Also called: Deafness, autosomal recessive 32; HEARING IMPAIRMENT INFERTILE MALE SYNDROME; Deafness, autosomal recessive 105. Identifiers: Orphanet 90636, MedGen C1837608, MONDO:0012091, OMIM 608653.

gnomAD v4.1: 5 of 1,595,880 alleles (0.00031%); highest among the groups gnomAD compares: East Asian, 0.0023%; no homozygotes.

Submissions (2):

GeneDx
Classification: Uncertain significance. Last evaluated: 2024-06-25. Review status: criteria provided, single submitter. Criteria: GeneDx Variant Classification Process June 2021. Collection method: clinical testing. Allele origin: germline. Affected: yes.
Comment: Not observed at significant frequency in large population cohorts (gnomAD); Has not been previously published as pathogenic or benign to our knowledge; Changes the canonical donor site GT to an alternate donor site GC in a gene for which loss of function is a known mechanism of disease. In the absence of RNA/functional studies, the actual effect of this sequence change is unknown

Juno Genomics, Hangzhou Juno Genomics, Inc
Classification: Uncertain significance for Autosomal recessive nonsyndromic hearing loss 32. Review status: criteria provided, single submitter. Criteria: ACMG Guidelines, 2015. Collection method: clinical testing. Allele origin: germline.
Comment: Absent from controls (or at extremely low frequency if recessive) in Genome Aggregation Database.;Null variant in a gene where loss of function (LOF) is a known mechanism of disease.